The following is an entry in ClinVar:

NM_032833.5(PPP1R15B):c.400C>T (p.Pro134Ser)

Gene: PPP1R15B (protein phosphatase 1 regulatory subunit 15B; minus strand). Cytogenetic location: 1q32.1.
Variant type: single nucleotide variant.
Coding change: c.400C>T on transcript NM_032833.5 (MANE Select); coding-DNA position 400, C replaced by T.
Protein change: p.Pro134Ser; replaces proline 134 with serine.
Molecular consequence: missense variant.
Genome position (GRCh38, 1-based): chr1:204,411,012, G>A on the plus strand (C>T on the coding strand, the complement: PPP1R15B is on the minus strand). VCF-style: chr1-204411012-G-A. GRCh37 (hg19) VCF-style: chr1-204380140-G-A.
Other names: short protein forms P134S.
Identifiers: ClinVar variation 1953792 (VCV001953792.5), dbSNP rs755194116, ClinGen allele CA1346822.

ClinVar aggregate classification (germline): Uncertain significance (1 of 4 stars; one submission).

Allele frequency attached by ClinVar (database versions not stated): ExAC 0.00002.

Submission:

Labcorp Genetics (formerly Invitae), Labcorp
Classification: Uncertain significance. Last evaluated: 2022-08-14. Review status: criteria provided, single submitter. Criteria: Invitae Variant Classification Sherloc (09022015). Collection method: clinical testing. Allele origin: germline.
Comment: In summary, the available evidence is currently insufficient to determine the role of this variant in disease. Therefore, it has been classified as a Variant of Uncertain Significance. Algorithms developed to predict the effect of missense changes on protein structure and function output the following: SIFT: "Tolerated"; PolyPhen-2: "Benign"; Align-GVGD: "Class C0". The serine amino acid residue is found in multiple mammalian species, which suggests that this missense change does not adversely affect protein function. This variant has not been reported in the literature in individuals affected with PPP1R15B-related conditions. This variant is present in population databases (rs755194116, gnomAD 0.01%). This sequence change replaces proline, which is neutral and non-polar, with serine, which is neutral and polar, at codon 134 of the PPP1R15B protein (p.Pro134Ser).